The following is an entry in ClinVar:

ClinVar aggregate classification (germline): Benign (1 of 4 stars; one submission).

Allele frequency attached by ClinVar (database versions not stated): gnomAD 0.14186 and 0.14505; TOPMed 0.14510; 1000 Genomes Project 30x 0.18457; 1000 Genomes Project 0.18770.
gnomAD v4.1: 21,895 of 151,868 alleles (14%); highest among the groups gnomAD compares: East Asian, 28%; 1,861 homozygotes.

Submission:

GeneDx
Classification: Benign. Last evaluated: 2018-06-19. Review status: criteria provided, single submitter. Criteria: GeneDx Variant Classification (06012015). Collection method: clinical testing. Allele origin: germline. Affected: yes.
Comment: This variant is considered likely benign or benign based on one or more of the following criteria: it is a conservative change, it occurs at a poorly conserved position in the protein, it is predicted to be benign by multiple in silico algorithms, and/or has population frequency not consistent with disease.

NM_001127644.2(GABRA1):c.255+285C>T

Gene: GABRA1 (gamma-aminobutyric acid type A receptor subunit alpha1; plus strand). Cytogenetic location: 5q34.
Variant type: single nucleotide variant.
Coding change: c.255+285C>T on transcript NM_001127644.2 (MANE Select); 285 bases into the intron after coding-DNA position 255, C replaced by T.
Molecular consequence: intron variant.
Genome position (GRCh38, 1-based): chr5:161,866,073, C>T. VCF-style: chr5-161866073-C-T. GRCh37 (hg19) VCF-style: chr5-161293079-C-T.
Other names: c.255+285C>T (NM_000806.5, NM_001127643.2, NM_001127645.2 and 1 more transcripts).
Identifiers: ClinVar variation 668789 (VCV000668789.1), dbSNP rs56873080, ClinGen allele CA131084043.